The following is an entry in ClinVar:

NM_080680.3(COL11A2):c.3446A>G (p.Asn1149Ser)

Gene: COL11A2 (collagen type XI alpha 2 chain; minus strand). Cytogenetic location: 6p21.32.
Variant type: single nucleotide variant.
Coding change: c.3446A>G on transcript NM_080680.3 (MANE Select); coding-DNA position 3446, A replaced by G.
Protein change: p.Asn1149Ser; replaces asparagine 1149 with serine.
Molecular consequence: missense variant.
Genome position (GRCh38, 1-based): chr6:33,170,838, T>C on the plus strand (A>G on the coding strand, the complement: COL11A2 is on the minus strand). VCF-style: chr6-33170838-T-C. GRCh37 (hg19) VCF-style: chr6-33138615-T-C.
Other names: c.3125A>G, p.Asn1042Ser (NM_080679.3); c.3188A>G, p.Asn1063Ser (NM_080681.3); short protein forms N1042S, N1063S, N1149S.
Identifiers: ClinVar variation 1307785 (VCV001307785.13), dbSNP rs754703121, ClinGen allele CA3750512.

ClinVar aggregate classification (germline): Conflicting classifications of pathogenicity. Review status: criteria provided, conflicting classifications (1 of 4 stars). 5 submissions from 5 submitters: Uncertain significance (3); Benign (1). 1 of the submissions does not count toward it. Last evaluated 2026-06-10.

Conditions:
Inborn genetic diseases. Identifiers: MedGen C0950123, MeSH D030342.
COL11A2-related disorder. Also called: COL11A2-related condition; COL11A2-related disorders.

Allele frequency attached by ClinVar (database versions not stated): gnomAD exomes 0.00002; TOPMed 0.00002; ExAC 0.00001; gnomAD 0.00001.
gnomAD v4.1: 37 of 1,612,554 alleles (0.0023%); highest among the groups gnomAD compares: East Asian, 0.0089%; no homozygotes.

Submissions (5):

Women's Health and Genetics/Laboratory Corporation of America, LabCorp
Classification: Uncertain significance. Last evaluated: 2026-06-10. Review status: criteria provided, single submitter. Criteria: LabCorp Variant Classification Summary - May 2015. Collection method: clinical testing. Allele origin: germline.
Comment: Variant summary: COL11A2 c.3446A>G (p.Asn1149Ser) results in a conservative amino acid change in the encoded protein sequence. Algorithms developed to predict the effect of missense changes on protein structure and function are either unavailable or do not agree on the potential impact of this missense change. The variant allele was found at a frequency of 1.6e-05 in 246376 control chromosomes. The available data on variant occurrences in the general population are insufficient to allow any conclusion about variant significance. To our knowledge, no occurrence of c.3446A>G in individuals affected with COL11A2-related conditions and no experimental evidence demonstrating its impact on protein function have been reported. ClinVar contains an entry for this variant (Variation ID: 1307785). Based on the evidence outlined above, the variant was classified as uncertain significance.

Labcorp Genetics (formerly Invitae), Labcorp
Classification: Benign. Last evaluated: 2025-11-18. Review status: criteria provided, single submitter. Criteria: Invitae Variant Classification Sherloc (09022015). Collection method: clinical testing. Allele origin: germline.

Ambry Genetics
Classification: Uncertain significance for Inborn genetic diseases. Last evaluated: 2023-02-16. Review status: criteria provided, single submitter. Criteria: Ambry Variant Classification Scheme 2023. Collection method: clinical testing. Allele origin: germline.

GeneDx
Classification: Uncertain significance. Last evaluated: 2023-02-15. Review status: criteria provided, single submitter. Criteria: GeneDx Variant Classification Process June 2021. Collection method: clinical testing. Allele origin: germline. Affected: yes.
Comment: Not observed at a significant frequency in large population cohorts (gnomAD); In silico analysis supports that this missense variant does not alter protein structure/function; Has not been previously published as pathogenic or benign to our knowledge

PreventionGenetics, part of Exact Sciences
Classification: Uncertain significance for COL11A2-related condition. Last evaluated: 2024-05-10. Review status: no assertion criteria provided. Collection method: clinical testing. Allele origin: germline. Not counted in ClinVar's aggregate classification.
Comment: The COL11A2 c.3446A>G variant is predicted to result in the amino acid substitution p.Asn1149Ser. To our knowledge, this variant has not been reported in the literature. This variant is reported in 0.0042% of alleles in individuals of African descent in gnomAD. At this time, the clinical significance of this variant is uncertain due to the absence of conclusive functional and genetic evidence.